The following is an entry in ClinVar:

NM_001104631.2(PDE4D):c.206C>T (p.Pro69Leu)

Gene: PDE4D (phosphodiesterase 4D; minus strand). Cytogenetic location: 5q12.1.
Variant type: single nucleotide variant.
Coding change: c.206C>T on transcript NM_001104631.2 (MANE Select); coding-DNA position 206, C replaced by T.
Protein change: p.Pro69Leu; replaces proline 69 with leucine.
Molecular consequence: missense variant. On other transcripts: intron variant (5).
Genome position (GRCh38, 1-based): chr5:59,893,417, G>A on the plus strand (C>T on the coding strand, the complement: PDE4D is on the minus strand). VCF-style: chr5-59893417-G-A. GRCh37 (hg19) VCF-style: chr5-59189244-G-A.
Other names: c.272+95071C>T (NM_001364599.1, NM_001165899.2, NM_001364600.2); c.-240+95071C>T (NM_001349243.2); c.242+95071C>T (NM_001349241.2); short protein forms P69L.
Identifiers: ClinVar variation 4763988 (VCV004763988.1).

ClinVar aggregate classification (germline): Uncertain significance (1 of 4 stars; one submission).

gnomAD v4.1: 2 of 1,466,742 alleles (0.00014%); highest among the groups gnomAD compares: Admixed American, 0.0022%; no homozygotes.

Submission:

Labcorp Genetics (formerly Invitae), Labcorp
Classification: Uncertain significance. Last evaluated: 2025-05-13. Review status: criteria provided, single submitter. Criteria: Invitae Variant Classification Sherloc (09022015). Collection method: clinical testing. Allele origin: germline.
Comment: This sequence change replaces proline, which is neutral and non-polar, with leucine, which is neutral and non-polar, at codon 69 of the PDE4D protein (p.Pro69Leu). This variant is not present in population databases (gnomAD no frequency). This variant has not been reported in the literature in individuals affected with PDE4D-related conditions. An algorithm developed to predict the effect of missense changes on protein structure and function (PolyPhen-2) suggests that this variant is likely to be tolerated. In summary, the available evidence is currently insufficient to determine the role of this variant in disease. Therefore, it has been classified as a Variant of Uncertain Significance.